The following is an entry in ClinVar:

ClinVar aggregate classification (germline): Uncertain significance. Review status: criteria provided, multiple submitters, no conflicts (2 of 4 stars). 2 submissions from 2 submitters: Uncertain significance (2). Last evaluated 2024-05-26.

Conditions:
BAP1-related tumor predisposition syndrome (TPDS1). Also called: BAP1 tumor predisposition syndrome; Tumor susceptibility linked to germline BAP1 mutations; COMMON Syndrome; TUMOR PREDISPOSITION SYNDROME 1. Identifiers: Orphanet 289539, MedGen C3280492, MONDO:0013692, OMIM 614327.
Hereditary cancer-predisposing syndrome. Also called: Tumor predisposition; Hereditary neoplastic syndrome; Neoplastic Syndromes, Hereditary; Hereditary Cancer Syndrome. Identifiers: Orphanet 140162, MedGen C0027672, MeSH D009386, MONDO:0015356.

Submissions (2):

Labcorp Genetics (formerly Invitae), Labcorp
Classification: Uncertain significance for BAP1-related tumor predisposition syndrome. Last evaluated: 2024-05-26. Review status: criteria provided, single submitter. Criteria: Invitae Variant Classification Sherloc (09022015). Collection method: clinical testing. Allele origin: germline.
Comment: This sequence change replaces glycine, which is neutral and non-polar, with serine, which is neutral and polar, at codon 380 of the BAP1 protein (p.Gly380Ser). This variant is not present in population databases (gnomAD no frequency). This variant has not been reported in the literature in individuals affected with BAP1-related conditions. ClinVar contains an entry for this variant (Variation ID: 665758). Advanced modeling of protein sequence and biophysical properties (such as structural, functional, and spatial information, amino acid conservation, physicochemical variation, residue mobility, and thermodynamic stability) performed at Invitae indicates that this missense variant is not expected to disrupt BAP1 protein function with a negative predictive value of 80%. In summary, the available evidence is currently insufficient to determine the role of this variant in disease. Therefore, it has been classified as a Variant of Uncertain Significance.

Ambry Genetics
Classification: Uncertain significance for Hereditary cancer-predisposing syndrome. Last evaluated: 2024-05-04. Review status: criteria provided, single submitter. Criteria: Ambry Variant Classification Scheme 2023. Collection method: clinical testing. Allele origin: germline.
Comment: The p.G380S variant (also known as c.1138G>A), located in coding exon 12 of the BAP1 gene, results from a G to A substitution at nucleotide position 1138. The glycine at codon 380 is replaced by serine, an amino acid with similar properties. This amino acid position is conserved. In addition, the in silico prediction for this alteration is inconclusive. Based on the available evidence, the clinical significance of this variant remains unclear.

NM_004656.4(BAP1):c.1138G>A (p.Gly380Ser)

Gene: BAP1 (BRCA1 associated deubiquitinase 1; minus strand). Cytogenetic location: 3p21.1.
Variant type: single nucleotide variant.
Coding change: c.1138G>A on transcript NM_004656.4 (MANE Select); coding-DNA position 1138, G replaced by A.
Protein change: p.Gly380Ser; replaces glycine 380 with serine.
Molecular consequence: missense variant.
Genome position (GRCh38, 1-based): chr3:52,404,565, C>T on the plus strand (G>A on the coding strand, the complement: BAP1 is on the minus strand). VCF-style: chr3-52404565-C-T. GRCh37 (hg19) VCF-style: chr3-52438581-C-T.
Other names: c.1138G>A (NM_004656.2); short protein forms G380S.
Identifiers: ClinVar variation 665758 (VCV000665758.7), dbSNP rs1221168827, ClinGen allele CA353103378.